The following is an entry in ClinVar:

NM_007294.4(BRCA1):c.2679G>T (p.Lys893Asn)

Gene: BRCA1 (BRCA1 DNA repair associated; minus strand). Cytogenetic location: 17q21.31.
Variant type: single nucleotide variant.
Coding change: c.2679G>T on transcript NM_007294.4 (MANE Select); coding-DNA position 2679, G replaced by T.
Protein change: p.Lys893Asn; replaces lysine 893 with asparagine.
Molecular consequence: missense variant. On other transcripts: intron variant (137).
Genome position (GRCh38, 1-based): chr17:43,092,852, C>A on the plus strand (G>T on the coding strand, the complement: BRCA1 is on the minus strand). VCF-style: chr17-43092852-C-A. GRCh37 (hg19) VCF-style: chr17-41244869-C-A.
Other names: c.2346G>T, p.Lys782Asn (NM_001407950.1, NM_001407952.1, NM_001407953.1 and 6 more transcripts); c.2298G>T, p.Lys766Asn (NM_001407959.1, NM_001407960.1, NM_001407963.1); c.2553G>T, p.Lys851Asn (NM_001407672.1, NM_001407670.1, NM_001407671.1 and 11 more transcripts); c.2556G>T, p.Lys852Asn (NM_001407665.1, NM_001407666.1, NM_001407667.1 and 19 more transcripts); c.2343G>T, p.Lys781Asn (NM_001407954.1, NM_001407955.1, NM_001407956.1 and 1 more transcripts); c.2601G>T, p.Lys867Asn (NM_001407663.1, NM_001407653.1, NM_001407654.1 and 4 more transcripts); c.2466G>T, p.Lys822Asn (NM_001407571.1, NM_001407894.1, NM_001407895.1 and 9 more transcripts); c.2679G>T, p.Lys893Asn (NM_001407581.1, NM_001407582.1, NM_001407583.1 and 30 more transcripts); and 41 more; short protein forms K893N, K846N, K782N, K852N, K892N, K825N, K851N, K765N.
Identifiers: ClinVar variation 141468 (VCV000141468.26), dbSNP rs587781771, ClinGen allele CA001759.

ClinVar aggregate classification (germline): Conflicting classifications of pathogenicity. Review status: criteria provided, conflicting classifications (1 of 4 stars). 4 submissions from 4 submitters: Uncertain significance (3); Likely benign (1). Last evaluated 2025-11-06.

Conditions:
BRCA1-related cancer predisposition. Identifiers: MedGen CN377757, MONDO:0700268.
Hereditary cancer-predisposing syndrome. Also called: Neoplastic Syndromes, Hereditary; Tumor predisposition; Hereditary Cancer Syndrome; Hereditary neoplastic syndrome. Identifiers: Orphanet 140162, MedGen C0027672, MeSH D009386, MONDO:0015356.
Hereditary breast ovarian cancer syndrome. Also called: Breast and ovarian cancer; Hereditary breast and ovarian cancer; Hereditary breast and/or ovarian cancer syndrome; BRCA1- and BRCA2-Associated Hereditary Breast and Ovarian Cancer; Hereditary breast and ovarian cancer syndrome; Hereditary breast and ovarian cancer syndrome (HBOC). Identifiers: Orphanet 145, MedGen C0677776, MeSH D061325, MONDO:0003582. Disease mechanism: loss of function.

gnomAD v4.1: 1 of 1,613,896 alleles (0.000062%); highest among the groups gnomAD compares: Non-Finnish European, 0.000085%; no homozygotes.

Submissions (4):

Ambry Genetics
Classification: Uncertain significance for Hereditary cancer-predisposing syndrome. Last evaluated: 2025-11-06. Review status: criteria provided, single submitter. Criteria: Ambry Variant Classification Scheme 2023. Collection method: clinical testing. Allele origin: germline.
Comment: The p.K893N variant (also known as c.2679G>T), located in coding exon 9 of the BRCA1 gene, results from a G to T substitution at nucleotide position 2679. The lysine at codon 893 is replaced by asparagine, an amino acid with similar properties. This amino acid position is poorly conserved in available vertebrate species. In addition, this alteration is predicted to be tolerated by in silico analysis. Based on the available evidence, the clinical significance of this variant remains unclear.

Labcorp Genetics (formerly Invitae), Labcorp
Classification: Uncertain significance for Hereditary breast ovarian cancer syndrome. Last evaluated: 2025-04-24. Review status: criteria provided, single submitter. Criteria: Invitae Variant Classification Sherloc (09022015). Collection method: clinical testing. Allele origin: germline.
Comment: This sequence change replaces lysine, which is basic and polar, with asparagine, which is neutral and polar, at codon 893 of the BRCA1 protein (p.Lys893Asn). This variant is not present in population databases (gnomAD no frequency). This variant has not been reported in the literature in individuals affected with BRCA1-related conditions. ClinVar contains an entry for this variant (Variation ID: 141468). Invitae Evidence Modeling of protein sequence and biophysical properties (such as structural, functional, and spatial information, amino acid conservation, physicochemical variation, residue mobility, and thermodynamic stability) indicates that this missense variant is not expected to disrupt BRCA1 protein function with a negative predictive value of 80%. In summary, the available evidence is currently insufficient to determine the role of this variant in disease. Therefore, it has been classified as a Variant of Uncertain Significance.

All of Us Research Program, National Institutes of Health
Classification: Uncertain significance for BRCA1-related cancer predisposition. Last evaluated: 2024-03-05. Review status: criteria provided, single submitter. Criteria: ACMG Guidelines, 2015. Collection method: clinical testing. Allele origin: germline. Inheritance: Autosomal dominant inheritance. Observed: 1 variant allele, 1 heterozygote.
Comment: This missense variant replaces lysine with asparagine at codon 893 of the BRCA1 protein. Computational prediction suggests that this variant may not impact protein structure and function (internally defined REVEL score threshold <= 0.5, PMID: 27666373). To our knowledge, functional studies have not been reported for this variant. This variant has not been reported in individuals affected with hereditary cancer in the literature. This variant has not been identified in the general population by the Genome Aggregation Database (gnomAD). The available evidence is insufficient to determine the role of this variant in disease conclusively. Therefore, this variant is classified as a Variant of Uncertain Significance.

This study involves interpretation of variants in research participants for the purpose of population health screening. Participant phenotype was not available at the time of variant classification. Additional details can be found in publication PMID: 35346344, PMCID: PMC8962531

University of Washington Department of Laboratory Medicine, University of Washington
Classification: Likely benign for Hereditary cancer-predisposing syndrome. Last evaluated: 2023-03-23. Review status: criteria provided, single submitter. Criteria: Dines et al. (Genet Med. 2020). Collection method: curation. Allele origin: germline.
Comment: Missense variant in a coldspot region where missense variants are very unlikely to be pathogenic (PMID:31911673).

BRCA1 coldspot (exon 11 using historical exon numbering). Reclassification based on statistical prior probability